The following is an entry in ClinVar:

NM_152594.3(SPRED1):c.666C>A (p.Ser222Arg)

Gene: SPRED1 (sprouty related EVH1 domain containing 1; plus strand). Cytogenetic location: 15q14.
Variant type: single nucleotide variant.
Coding change: c.666C>A on transcript NM_152594.3 (MANE Select); coding-DNA position 666, C replaced by A.
Protein change: p.Ser222Arg; replaces serine 222 with arginine.
Molecular consequence: missense variant.
Genome position (GRCh38, 1-based): chr15:38,349,505, C>A. VCF-style: chr15-38349505-C-A. GRCh37 (hg19) VCF-style: chr15-38641706-C-A.
Other names: short protein forms S222R.
Identifiers: ClinVar variation 956543 (VCV000956543.10), dbSNP rs1896209442, ClinGen allele CA391932955.
Genomic context (GRCh38, chr15:38,349,505, plus strand): 5'-GGACATTCAGAGCAGAAGTATGGAATACGTACAGCGGCAAATATCCAAGGAATGTGGAAG[C>A]CTAAAGTCCCAAAATAGGGTAAGTAATGTTAGTTTATCTTGTGATATGGAATTTAACTAA-3'
Protein context (NP_689807.1, residues 212-232): VQRQISKECG[Ser222Arg]LKSQNRVPLK

ClinVar aggregate classification (germline): Uncertain significance. Review status: criteria provided, multiple submitters, no conflicts (2 of 4 stars). 2 submissions from 2 submitters: Uncertain significance (2). Last evaluated 2025-02-05.

Conditions:
Cardiovascular phenotype. Identifiers: MedGen CN230736.
Legius syndrome. Identifiers: Orphanet 137605, MedGen C1969623, MONDO:0012669, OMIM 611431. Disease mechanism: loss of function.

Allele frequency attached by ClinVar (database versions not stated): gnomAD exomes below 0.00001.
gnomAD v4.1: 7 of 1,610,772 alleles (0.00043%); highest among the groups gnomAD compares: Non-Finnish European, 0.00051%; no homozygotes.

Submissions (2):

Ambry Genetics
Classification: Uncertain significance for Cardiovascular phenotype. Last evaluated: 2025-02-05. Review status: criteria provided, single submitter. Criteria: Ambry Variant Classification Scheme 2023. Collection method: clinical testing. Allele origin: germline.
Comment: The p.S222R variant (also known as c.666C>A), located in coding exon 6 of the SPRED1 gene, results from a C to A substitution at nucleotide position 666. The serine at codon 222 is replaced by arginine, an amino acid with dissimilar properties. This amino acid position is conserved. In addition, this alteration is predicted to be tolerated by in silico analysis. Based on the available evidence, the clinical significance of this variant remains unclear.

Labcorp Genetics (formerly Invitae), Labcorp
Classification: Uncertain significance for Legius syndrome. Last evaluated: 2022-07-05. Review status: criteria provided, single submitter. Criteria: Invitae Variant Classification Sherloc (09022015). Collection method: clinical testing. Allele origin: germline.
Comment: In summary, the available evidence is currently insufficient to determine the role of this variant in disease. Therefore, it has been classified as a Variant of Uncertain Significance. Algorithms developed to predict the effect of missense changes on protein structure and function (SIFT, PolyPhen-2, Align-GVGD) all suggest that this variant is likely to be tolerated. ClinVar contains an entry for this variant (Variation ID: 956543). This variant has not been reported in the literature in individuals affected with SPRED1-related conditions. This variant is not present in population databases (gnomAD no frequency). This sequence change replaces serine, which is neutral and polar, with arginine, which is basic and polar, at codon 222 of the SPRED1 protein (p.Ser222Arg).